The following is an entry in ClinVar:

NM_001277115.2(DNAH11):c.5593C>T (p.Arg1865Ter)

Gene: DNAH11 (dynein axonemal heavy chain 11; plus strand). Cytogenetic location: 7p15.3.
Variant type: single nucleotide variant.
Coding change: c.5593C>T on transcript NM_001277115.2 (MANE Select); coding-DNA position 5593, C replaced by T.
Protein change: p.Arg1865Ter; replaces arginine 1865 with a stop codon.
Molecular consequence: nonsense.
Genome position (GRCh38, 1-based): chr7:21,683,916, C>T. VCF-style: chr7-21683916-C-T. GRCh37 (hg19) VCF-style: chr7-21723534-C-T.
Other names: short protein forms R1865*.
Identifiers: ClinVar variation 937769 (VCV000937769.11), dbSNP rs767101212, ClinGen allele CA4180474.

ClinVar aggregate classification (germline): Pathogenic. Review status: criteria provided, multiple submitters, no conflicts (2 of 4 stars). 2 submissions from 2 submitters: Pathogenic (2). Last evaluated 2025-08-03.

Conditions:
Primary ciliary dyskinesia. Also called: Ciliary dyskinesia. Identifiers: Orphanet 244, MedGen C0008780, MONDO:0016575, HP:0012265.
DNAH11-related disorders.

Allele frequency attached by ClinVar (database versions not stated): gnomAD 0.00001; gnomAD exomes 0.00001 and 0.00002; TOPMed 0.00001; ExAC 0.00002.
gnomAD v4.1: 16 of 1,613,406 alleles (0.00099%); highest among the groups gnomAD compares: Admixed American, 0.0033%; no homozygotes.

Submissions (2):

Labcorp Genetics (formerly Invitae), Labcorp
Classification: Pathogenic for Primary ciliary dyskinesia. Last evaluated: 2025-08-03. Review status: criteria provided, single submitter. Criteria: Invitae Variant Classification Sherloc (09022015). Collection method: clinical testing. Allele origin: germline.
Comment: This sequence change creates a premature translational stop signal (p.Arg1865*) in the DNAH11 gene. It is expected to result in an absent or disrupted protein product. Loss-of-function variants in DNAH11 are known to be pathogenic (PMID: 18022865, 20513915, 22184204). This variant is present in population databases (rs767101212, gnomAD 0.006%). This premature translational stop signal has been observed in individual(s) with clinical features of DNAH11-related conditions (PMID: 31879361; internal data). ClinVar contains an entry for this variant (Variation ID: 937769). Algorithms developed to predict the effect of sequence changes on RNA splicing suggest that this variant may disrupt the consensus splice site. For these reasons, this variant has been classified as Pathogenic.

Blueprint Genetics
Classification: Pathogenic for DNAH11-related disorders. Last evaluated: 2022-09-21. Review status: criteria provided, single submitter. Criteria: ACMG Guidelines, 2015. Collection method: clinical testing. Allele origin: germline. Affected: yes. Observed: 2 variant alleles.

Literature cited by the submitters: PubMed 18022865 (cited by Labcorp Genetics (formerly Invitae), Labcorp); PubMed 20513915 (cited by Labcorp Genetics (formerly Invitae), Labcorp); PubMed 22184204 (cited by Labcorp Genetics (formerly Invitae), Labcorp); PubMed 31879361 (cited by Labcorp Genetics (formerly Invitae), Labcorp).